The following is an entry in ClinVar:

NM_001378452.1(ITPR1):c.4125G>A (p.Met1375Ile)

Gene: ITPR1 (inositol 1,4,5-trisphosphate receptor type 1; plus strand). Cytogenetic location: 3p26.1.
Variant type: single nucleotide variant.
Coding change: c.4125G>A on transcript NM_001378452.1 (MANE Select); coding-DNA position 4125, G replaced by A.
Protein change: p.Met1375Ile; replaces methionine 1375 with isoleucine.
Molecular consequence: missense variant.
Genome position (GRCh38, 1-based): chr3:4,693,585, G>A. VCF-style: chr3-4693585-G-A. GRCh37 (hg19) VCF-style: chr3-4735269-G-A.
Other names: c.4098G>A, p.Met1366Ile (NM_001099952.4); c.4080G>A, p.Met1360Ile (NM_001168272.2); c.4053G>A, p.Met1351Ile (NM_002222.7); short protein forms M1351I, M1360I, M1366I, M1375I.
Identifiers: ClinVar variation 2571170 (VCV002571170.27), dbSNP rs1454206839, ClinGen allele CA351631603.
Genomic context (GRCh38, chr3:4,693,585, plus strand): 5'-CAACGACAGAGCCTCTTTCCAGACTCTGATCCAGATGATGCGGTCAGAACGGGATCGGAT[G>A]GATGAGAACAGCCCTCTCATGTACCACATCCACTTGGTCGAGCTCCTGGCTGTGTGCACG-3'
Protein context (NP_001365381.1, residues 1365-1385): IQMMRSERDR[Met1375Ile]DENSPLMYHI

ClinVar aggregate classification (germline): Uncertain significance (1 of 4 stars; one submission).

Allele frequency attached by ClinVar (database versions not stated): gnomAD exomes below 0.00001; TOPMed 0.00001.

Submission:

CeGaT Center for Human Genetics Tuebingen
Classification: Uncertain significance. Last evaluated: 2023-04-01. Review status: criteria provided, single submitter. Criteria: CeGaT Center For Human Genetics Tuebingen Variant Classification Criteria Version 2. Collection method: clinical testing. Allele origin: germline. Affected: yes. Observed: 1 variant allele.
Comment: ITPR1: PM2, PP3